The following is an entry in ClinVar:

ClinVar aggregate classification (germline): Uncertain significance (1 of 4 stars; one submission).

Conditions:
STIM1-related disorder. Also called: STIM1-related condition.

Allele frequency attached by ClinVar (database versions not stated): TOPMed below 0.00001; gnomAD exomes 0.00001.

Submission:

PreventionGenetics, part of Exact Sciences
Classification: Uncertain significance for STIM1-related condition. Last evaluated: 2022-10-12. Review status: criteria provided, single submitter. Criteria: ACMG Guidelines, 2015. Collection method: clinical testing. Allele origin: germline.
Comment: The STIM1 c.1885C>T variant is predicted to result in the amino acid substitution p.Pro629Ser. To our knowledge, this variant has not been reported in the literature. This variant is reported in 0.00088% of alleles in individuals of European (Non-Finnish) descent in gnomAD. At this time, the clinical significance of this variant is uncertain due to the absence of conclusive functional and genetic evidence.

NM_001382567.1(STIM1):c.1978C>T (p.Pro660Ser)

Genes: STIM1 (stromal interaction molecule 1; plus strand), LOC124418421 (Sharpr-MPRA regulatory region 9588; plus strand). Cytogenetic location: 11p15.4.
Variant type: single nucleotide variant.
Coding change: c.1978C>T on transcript NM_001382567.1 (MANE Select); coding-DNA position 1978, C replaced by T.
Protein change: p.Pro660Ser; replaces proline 660 with serine.
Molecular consequence: missense variant. On other transcripts: 3 prime UTR variant (4), non-coding transcript variant (3).
Genome position (GRCh38, 1-based): chr11:4,091,625, C>T. VCF-style: chr11-4091625-C-T. GRCh37 (hg19) VCF-style: chr11-4112855-C-T.
Other names: c.2203C>T, p.Pro735Ser (NM_001277961.3); c.*299C>T (NM_001277962.2, NM_001382578.1, NM_001382579.1 and 1 more transcripts); c.1981C>T, p.Pro661Ser (NM_001382566.1); c.1906C>T, p.Pro636Ser (NM_001382568.1); c.1750C>T, p.Pro584Ser (NM_001382569.1); c.1657C>T, p.Pro553Ser (NM_001382570.1); c.1405C>T, p.Pro469Ser (NM_001382571.1); c.1663C>T, p.Pro555Ser (NM_001382575.1, NM_001382576.1, NM_001382577.1); and 2 more; short protein forms P466S, P469S, P553S, P555S, P584S, P629S, P636S, P660S.
Identifiers: ClinVar variation 2628858 (VCV002628858.1), dbSNP rs893886813, ClinGen allele CA216534204.